The following is an entry in ClinVar:

NM_004415.4(DSP):c.6565C>G (p.Arg2189Gly)

Gene: DSP (desmoplakin; plus strand). Cytogenetic location: 6p24.3.
Variant type: single nucleotide variant.
Coding change: c.6565C>G on transcript NM_004415.4 (MANE Select); coding-DNA position 6565, C replaced by G.
Protein change: p.Arg2189Gly; replaces arginine 2189 with glycine.
Molecular consequence: missense variant.
Genome position (GRCh38, 1-based): chr6:7,583,827, C>G. VCF-style: chr6-7583827-C-G. GRCh37 (hg19) VCF-style: chr6-7584060-C-G.
Other names: c.4768C>G, p.Arg1590Gly (NM_001008844.3); c.5236C>G, p.Arg1746Gly (NM_001319034.2); short protein forms R1590G, R1746G, R2189G.
Identifiers: ClinVar variation 3070867 (VCV003070867.5), dbSNP rs767661570, ClinGen allele CA362691069.

ClinVar aggregate classification (germline): Conflicting classifications of pathogenicity. Review status: criteria provided, conflicting classifications (1 of 4 stars). 3 submissions from 3 submitters: Uncertain significance (2); Likely benign (1). Last evaluated 2025-04-03.

Conditions:
Arrhythmogenic cardiomyopathy with wooly hair and keratoderma. Also called: PALMOPLANTAR KERATODERMA WITH LEFT VENTRICULAR CARDIOMYOPATHY AND WOOLLY HAIR; Carvajal syndrome; Dilated cardiomyopathy with woolly hair and keratoderma; Arrhythmogenic cardiomyopathy with woolly hair and keratoderma. Identifiers: Orphanet 65282, MedGen C1854063, MONDO:0011581, OMIM 605676.
Arrhythmogenic right ventricular dysplasia 8 (ARVD8). Also called: ARRHYTHMOGENIC RIGHT VENTRICULAR DYSPLASIA, FAMILIAL, 8; ARRHYTHMOGENIC RIGHT VENTRICULAR CARDIOMYOPATHY 8; Arrhythmogenic Right Ventricular Dysplasia/Cardiomyopathy 8. Identifiers: MedGen C1843896, MONDO:0011831, OMIM 607450.

gnomAD v4.1: 4 of 1,613,960 alleles (0.00025%); highest among the groups gnomAD compares: African/African-American, 0.004%; no homozygotes.

Submissions (3):

Women's Health and Genetics/Laboratory Corporation of America, LabCorp
Classification: Uncertain significance. Last evaluated: 2025-04-03. Review status: criteria provided, single submitter. Criteria: LabCorp Variant Classification Summary - May 2015. Collection method: clinical testing. Allele origin: germline.

Labcorp Genetics (formerly Invitae), Labcorp
Classification: Likely benign for Arrhythmogenic cardiomyopathy with wooly hair and keratoderma; Arrhythmogenic right ventricular dysplasia 8. Last evaluated: 2024-10-24. Review status: criteria provided, single submitter. Criteria: Invitae Variant Classification Sherloc (09022015). Collection method: clinical testing. Allele origin: germline.

All of Us Research Program, National Institutes of Health
Classification: Uncertain significance for Arrhythmogenic cardiomyopathy with wooly hair and keratoderma. Last evaluated: 2023-05-04. Review status: criteria provided, single submitter. Criteria: ACMG Guidelines, 2015. Collection method: clinical testing. Allele origin: germline. Inheritance: Autosomal dominant inheritance. Observed: 1 variant allele, 1 heterozygote.
Comment: This missense variant replaces arginine with glycine at codon 2189 of the DSP protein. Computational prediction suggests that this variant may not impact protein structure and function (internally defined REVEL score threshold <= 0.5, PMID: 27666373). To our knowledge, functional studies have not been reported for this variant. This variant has not been reported in individuals affected with DSP-related disorders in the literature. This variant has been identified in 1/31394 chromosomes in the general population by the Genome Aggregation Database (gnomAD). The available evidence is insufficient to determine the role of this variant in disease conclusively. Therefore, this variant is classified as a Variant of Uncertain Significance.

This study involves interpretation of variants in research participants for the purpose of population health screening. Participant phenotype was not available at the time of variant classification. Additional details can be found in publication PMID: 35346344, PMCID: PMC8962531